The following is an entry in ClinVar:

ClinVar aggregate classification (germline): Pathogenic. Review status: criteria provided, multiple submitters, no conflicts (2 of 4 stars). 2 submissions from 2 submitters: Pathogenic (2). Last evaluated 2024-02-06.

Conditions:
Familial cancer of breast. Also called: hereditary breast carcinoma; BREAST CANCER, FAMILIAL; Hereditary breast cancer. Identifiers: Orphanet 227535, MedGen C0346153, MONDO:0016419, OMIM 114480. Disease mechanism: loss of function.
Fanconi anemia complementation group J. Also called: BRIP1-Related Fanconi Anemia. Identifiers: Orphanet 84, MedGen C1836860, MONDO:0012187, OMIM 609054.
Hereditary cancer-predisposing syndrome. Also called: Hereditary Cancer Syndrome; Tumor predisposition; Neoplastic Syndromes, Hereditary; Hereditary neoplastic syndrome. Identifiers: Orphanet 140162, MedGen C0027672, MeSH D009386, MONDO:0015356.

Submissions (2):

Labcorp Genetics (formerly Invitae), Labcorp
Classification: Pathogenic for Familial cancer of breast; Fanconi anemia complementation group J. Last evaluated: 2024-02-06. Review status: criteria provided, single submitter. Criteria: Invitae Variant Classification Sherloc (09022015). Collection method: clinical testing. Allele origin: germline.
Comment: This sequence change creates a premature translational stop signal (p.Ser3Valfs*3) in the BRIP1 gene. It is expected to result in an absent or disrupted protein product. Loss-of-function variants in BRIP1 are known to be pathogenic (PMID: 16116423, 17033622, 21964575). This variant is not present in population databases (gnomAD no frequency). This variant has not been reported in the literature in individuals affected with BRIP1-related conditions. ClinVar contains an entry for this variant (Variation ID: 653243). Algorithms developed to predict the effect of sequence changes on RNA splicing suggest that this variant may disrupt the consensus splice site. For these reasons, this variant has been classified as Pathogenic.

Ambry Genetics
Classification: Pathogenic for Hereditary cancer-predisposing syndrome. Last evaluated: 2018-09-10. Review status: criteria provided, single submitter. Criteria: Ambry Variant Classification Scheme 2023. Collection method: clinical testing. Allele origin: germline.
Comment: The c.7_11delTCAAT pathogenic mutation, located in coding exon 1 of the BRIP1 gene, results from a deletion of 5 nucleotides at nucleotide positions 7 to 11, causing a translational frameshift with a predicted alternate stop codon (p.S3Vfs*3). This alteration is expected to result in loss of function by premature protein truncation or nonsense-mediated mRNA decay. As such, this alteration is interpreted as a disease-causing mutation.

Literature cited by the submitters: PubMed 16116423 (cited by Labcorp Genetics (formerly Invitae), Labcorp); PubMed 17033622 (cited by Labcorp Genetics (formerly Invitae), Labcorp); PubMed 21964575 (cited by Labcorp Genetics (formerly Invitae), Labcorp).

NM_032043.3(BRIP1):c.7_11del (p.Ser3fs)

Gene: BRIP1 (BRCA1 interacting DNA helicase 1; minus strand). Cytogenetic location: 17q23.2.
Variant type: Deletion.
Coding change: c.7_11del on transcript NM_032043.3 (MANE Select); coding-DNA positions 7 to 11, 5 bases deleted (TCAAT; older notation c.7_11delTCAAT).
Protein change: p.Ser3fs; shifts the reading frame from serine 3.
Molecular consequence: frameshift variant.
Genome position (GRCh38, 1-based): chr17:61,861,529-61,861,533, ATTGA deleted on the plus strand (TCAAT on the coding strand, the reverse complement: BRIP1 is on the minus strand); deleting any 5 consecutive bases within chr17:61,861,529-61,861,534 gives the same sequence; the c. name uses the placement nearest the transcript's 3' end. VCF-style (leftmost placement, unchanged base first): chr17-61861528-CATTGA-C. GRCh37 (hg19) VCF-style: chr17-59938889-CATTGA-C.
Other names: c.7_11delTCAAT (NM_032043.2); short protein forms S3fs.
Identifiers: ClinVar variation 653243 (VCV000653243.10), dbSNP rs1603368490, ClinGen allele CA915950675.